The following is an entry in ClinVar:

NM_000387.6(SLC25A20):c.542del (p.Pro181fs)

Gene: SLC25A20 (solute carrier family 25 member 20; minus strand). Cytogenetic location: 3p21.31.
Variant type: Deletion.
Coding change: c.542del on transcript NM_000387.6 (MANE Select); coding-DNA position 542, one base deleted (C; older notation c.542delC).
Protein change: p.Pro181fs; shifts the reading frame from proline 181.
Molecular consequence: frameshift variant.
Genome position (GRCh38, 1-based): chr3:48,859,621, G deleted on the plus strand (C on the coding strand, the reverse complement: SLC25A20 is on the minus strand); the first of 3 consecutive G bases (chr3:48,859,621-48,859,623); deleting any one gives the same sequence. VCF-style (leftmost placement, unchanged base first): chr3-48859620-TG-T. GRCh37 (hg19) VCF-style: chr3-48897053-TG-T.
Other names: short protein forms P181fs.
Identifiers: ClinVar variation 2678863 (VCV002678863.5), dbSNP rs2471005072, ClinGen allele CA2665661877.

ClinVar aggregate classification (germline): Pathogenic/Likely pathogenic. Review status: criteria provided, multiple submitters, no conflicts (2 of 4 stars). 2 submissions from 2 submitters: Pathogenic (1); Likely pathogenic (1). Last evaluated 2024-01-05.

Conditions:
Carnitine acylcarnitine translocase deficiency (CACTD). Identifiers: Orphanet 159, MedGen C0342791, MONDO:0008918, OMIM 212138.

Submissions (2):

Baylor Genetics
Classification: Likely pathogenic for Carnitine acylcarnitine translocase deficiency. Last evaluated: 2024-01-05. Review status: criteria provided, single submitter. Criteria: ACMG Guidelines, 2015. Collection method: clinical testing. Allele origin: unknown.

Labcorp Genetics (formerly Invitae), Labcorp
Classification: Pathogenic for Carnitine acylcarnitine translocase deficiency. Last evaluated: 2023-11-20. Review status: criteria provided, single submitter. Criteria: Invitae Variant Classification Sherloc (09022015). Collection method: clinical testing. Allele origin: germline.
Comment: This sequence change creates a premature translational stop signal (p.Pro181Glnfs*8) in the SLC25A20 gene. It is expected to result in an absent or disrupted protein product. Loss-of-function variants in SLC25A20 are known to be pathogenic (PMID: 25614308). This variant is not present in population databases (gnomAD no frequency). This variant has not been reported in the literature in individuals affected with SLC25A20-related conditions. For these reasons, this variant has been classified as Pathogenic.

Literature cited by the submitters: PubMed 25614308 (cited by Labcorp Genetics (formerly Invitae), Labcorp).